The following is an entry in ClinVar:

NM_003334.4(UBA1):c.1939-14T>A

Gene: UBA1 (ubiquitin like modifier activating enzyme 1; plus strand). Cytogenetic location: Xp11.3.
Variant type: single nucleotide variant.
Coding change: c.1939-14T>A on transcript NM_003334.4 (MANE Select); 14 bases into the intron before coding-DNA position 1939, T replaced by A.
Molecular consequence: intron variant.
Genome position (GRCh38, 1-based): chrX:47,209,609, T>A. VCF-style: chrX-47209609-T-A. GRCh37 (hg19) VCF-style: chrX-47069008-T-A.
Other names: c.1939-14T>A (NM_153280.3, NM_001440811.1, NM_001440812.1); c.1957-14T>A (NM_001440809.1, NM_001440810.1); c.1981-14T>A (NM_001440807.1).
Identifiers: ClinVar variation 5039673 (VCV005039673.1).

ClinVar aggregate classification (germline): Likely benign (1 of 4 stars; one submission).

gnomAD v4.1: 59 of 1,208,467 alleles (0.0049%); highest among the groups gnomAD compares: East Asian, 0.11%; 1 homozygote.

Submission:

CeGaT Center for Human Genetics Tuebingen
Classification: Likely benign. Last evaluated: 2026-07-01. Review status: criteria provided, single submitter. Criteria: CeGaT Center For Human Genetics Tuebingen Variant Classification Criteria Version 2. Collection method: clinical testing. Allele origin: germline. Affected: yes. Observed: 1 variant allele.
Comment: UBA1: PP3, BS2